The following is an entry in ClinVar:

NM_139027.6(ADAMTS13):c.58G>A (p.Ala20Thr)

Gene: ADAMTS13 (ADAM metallopeptidase with thrombospondin type 1 motif 13; plus strand). Cytogenetic location: 9q34.2.
Variant type: single nucleotide variant.
Coding change: c.58G>A on transcript NM_139027.6 (MANE Select); coding-DNA position 58, G replaced by A.
Protein change: p.Ala20Thr; replaces alanine 20 with threonine.
Molecular consequence: missense variant.
Genome position (GRCh38, 1-based): chr9:133,422,501, G>A. VCF-style: chr9-133422501-G-A. GRCh37 (hg19) VCF-style: chr9-136287621-G-A.
Other names: c.58G>A, p.Ala20Thr (NM_139025.5, NM_139026.6); short protein forms A20T.
Identifiers: ClinVar variation 2385646 (VCV002385646.4), dbSNP rs142293909, ClinGen allele CA200879055.

ClinVar aggregate classification (germline): Conflicting classifications of pathogenicity. Review status: criteria provided, conflicting classifications (1 of 4 stars). 3 submissions from 3 submitters: Uncertain significance (1); Likely benign (2). Last evaluated 2024-10-30.

Conditions:
Inborn genetic diseases. Identifiers: MedGen C0950123, MeSH D030342.
Upshaw-Schulman syndrome (TTP). Also called: THROMBOTIC THROMBOCYTOPENIC PURPURA, HEREDITARY; Congenital thrombotic thrombocytopenic purpura. Identifiers: Orphanet 93583, MedGen C1268935, MONDO:0010122, OMIM 274150.

Allele frequency attached by ClinVar (database versions not stated): ESP Exome Variant Server 0.00062; gnomAD exomes 0.00002; ExAC 0.00010; gnomAD 0.00029; TOPMed 0.00033; 1000 Genomes Project 0.00040; 1000 Genomes Project 30x 0.00062.
gnomAD v4.1: 81 of 1,614,122 alleles (0.005%); highest among the groups gnomAD compares: African/African-American, 0.093%; no homozygotes.

Submissions (3):

Women's Health and Genetics/Laboratory Corporation of America, LabCorp
Classification: Likely benign. Last evaluated: 2024-10-30. Review status: criteria provided, single submitter. Criteria: LabCorp Variant Classification Summary - May 2015. Collection method: clinical testing. Allele origin: germline.
Comment: Variant summary: ADAMTS13 c.58G>A (p.Ala20Thr) results in a non-conservative amino acid change in the encoded protein sequence. Three of four in-silico tools predict a benign effect of the variant on protein function. The variant allele was found at a frequency of 5e-05 in 1607148 control chromosomes, predominantly at a frequency of 0.00093 within the African or African-American subpopulation in the gnomAD database (v4.1 dataset). To our knowledge, no occurrence of c.58G>A in individuals affected with Thrombotic Thrombocytopenic Purpura and no experimental evidence demonstrating its impact on protein function have been reported. ClinVar contains an entry for this variant (Variation ID: 2385646). Based on the evidence outlined above, the variant was classified as likely benign.

Clinical Genomics Laboratory, Washington University in St. Louis
Classification: Uncertain significance for Upshaw-Schulman syndrome. Last evaluated: 2024-05-23. Review status: criteria provided, single submitter. Criteria: ACMG Guidelines, 2015. Collection method: clinical testing. Allele origin: germline.
Comment: The ADAMTS13 c.58G>A (p.Ala20Thr) variant was identified. This variant, to our knowledge, has not been reported in the medical literature. This variant is only observed on 81/1,614,122 alleles in the general population (gnomAD v.4.1.0), indicating it is not a common variant. This variant has been reported in the ClinVar database and classified as likely benign by one submitter (ClinVar ID: 2385646). Computational predictors suggest that the variant does not impact ADAMTS13 function. Due to limited information, and based on ACMG/AMP guidelines for variant interpretation (Richards S et al., PMID: 25741868), the clinical significance of this variant is uncertain at this time.

Ambry Genetics
Classification: Likely benign for Inborn genetic diseases. Last evaluated: 2021-07-14. Review status: criteria provided, single submitter. Criteria: Ambry Variant Classification Scheme 2023. Collection method: clinical testing. Allele origin: germline.